The following is an entry in ClinVar:

ClinVar aggregate classification (germline): Benign. Review status: criteria provided, multiple submitters, no conflicts (2 of 4 stars). 4 submissions from 4 submitters: Benign (4). Last evaluated 2021-07-14.

Conditions:
Long QT syndrome (LQTS). Identifiers: MedGen C0023976, MeSH D008133, MONDO:0002442. Disease mechanism: loss of function. Inheritance: Various modes of inheritance.
Timothy syndrome (TS). Also called: LONG QT SYNDROME WITH SYNDACTYLY. Identifiers: Orphanet 65283, MedGen C1832916, MeSH C536962, MONDO:0010979, OMIM 601005.

Allele frequency attached by ClinVar (database versions not stated): gnomAD 0.82155 and 0.82569; TOPMed 0.82614; gnomAD exomes 0.85050; 1000 Genomes Project 30x 0.86118; 1000 Genomes Project 0.86222.
gnomAD v4.1: 963,938 of 1,137,916 alleles (85%); highest among the groups gnomAD compares: East Asian, 99%; 409,581 homozygotes.

Submissions (4):

Genome-Nilou Lab
Classification: Benign for Timothy syndrome. Last evaluated: 2021-07-14. Review status: criteria provided, single submitter. Criteria: ACMG Guidelines, 2015. Collection method: clinical testing. Allele origin: germline. Affected: no.

Labcorp Genetics (formerly Invitae), Labcorp
Classification: Benign for Long QT syndrome. Last evaluated: 2019-12-31. Review status: criteria provided, single submitter. Criteria: Invitae Variant Classification Sherloc (09022015). Collection method: clinical testing. Allele origin: germline.

GeneDx
Classification: Benign. Last evaluated: 2018-06-14. Review status: criteria provided, single submitter. Criteria: GeneDx Variant Classification (06012015). Collection method: clinical testing. Allele origin: germline. Affected: yes.
Comment: This variant is considered likely benign or benign based on one or more of the following criteria: it is a conservative change, it occurs at a poorly conserved position in the protein, it is predicted to be benign by multiple in silico algorithms, and/or has population frequency not consistent with disease.

Breakthrough Genomics
Classification: Benign. Review status: criteria provided, single submitter. Criteria: ACMG Guidelines, 2015. Collection method: not provided. Allele origin: germline. Inheritance: Autosomal dominant inheritance. Affected: yes.

NM_000719.7(CACNA1C):c.1670-52C>T

Gene: CACNA1C (calcium voltage-gated channel subunit alpha1 C; plus strand). Cytogenetic location: 12p13.33.
Variant type: single nucleotide variant.
Coding change: c.1670-52C>T on transcript NM_000719.7 (MANE Select); 52 bases into the intron before coding-DNA position 1670, C replaced by T.
Molecular consequence: intron variant.
Genome position (GRCh38, 1-based): chr12:2,567,517, C>T. VCF-style: chr12-2567517-C-T. GRCh37 (hg19) VCF-style: chr12-2676683-C-T.
Other names: c.1670-52C>T (NM_001167624.3, NM_001167623.2, NM_001167625.2 and 18 more transcripts); c.1661-52C>T (NM_001129844.2).
Identifiers: ClinVar variation 671799 (VCV000671799.9), dbSNP rs2370602, ClinGen allele CA13577109.